The following is an entry in ClinVar:

NM_199420.4(POLQ):c.2335T>C (p.Ser779Pro)

Gene: POLQ (DNA polymerase theta; minus strand). Cytogenetic location: 3q13.33.
Variant type: single nucleotide variant.
Coding change: c.2335T>C on transcript NM_199420.4 (MANE Select); coding-DNA position 2335, T replaced by C.
Protein change: p.Ser779Pro; replaces serine 779 with proline.
Molecular consequence: missense variant.
Genome position (GRCh38, 1-based): chr3:121,493,665, A>G on the plus strand (T>C on the coding strand, the complement: POLQ is on the minus strand). VCF-style: chr3-121493665-A-G. GRCh37 (hg19) VCF-style: chr3-121212512-A-G.
Other names: short protein forms S779P.
Identifiers: ClinVar variation 2449462 (VCV002449462.2), dbSNP rs2546790824, ClinGen allele CA354108166.

ClinVar aggregate classification (germline): Uncertain significance (1 of 4 stars; one submission).

Submission:

Ambry Genetics
Classification: Uncertain significance. Last evaluated: 2023-03-04. Review status: criteria provided, single submitter. Criteria: Ambry Variant Classification Scheme 2023. Collection method: clinical testing. Allele origin: germline.
Comment: The p.S779P variant (also known as c.2335T>C), located in coding exon 15 of the POLQ gene, results from a T to C substitution at nucleotide position 2335. The serine at codon 779 is replaced by proline, an amino acid with similar properties. This amino acid position is conserved. In addition, the in silico prediction for this alteration is inconclusive. Since supporting evidence is limited at this time, the clinical significance of this alteration remains unclear.